The following is an entry in ClinVar:

NM_000048.4(ASL):c.717G>A (p.Val239=)

Gene: ASL (argininosuccinate lyase; plus strand). Cytogenetic location: 7q11.21.
Variant type: single nucleotide variant.
Coding change: c.717G>A on transcript NM_000048.4 (MANE Select); coding-DNA position 717, G replaced by A.
Protein change: p.Val239=; no amino-acid change (valine 239 retained).
Molecular consequence: synonymous variant.
Genome position (GRCh38, 1-based): chr7:66,087,790, G>A. VCF-style: chr7-66087790-G-A. GRCh37 (hg19) VCF-style: chr7-65552777-G-A.
Other names: c.717G>A, p.Val239= (NM_001024943.2, NM_001024944.2); c.639G>A, p.Val213= (NM_001024946.2).
Identifiers: ClinVar variation 2137433 (VCV002137433.1), dbSNP rs757704350, ClinGen allele CA4277103.

ClinVar aggregate classification (germline): Uncertain significance (1 of 4 stars; one submission).

Conditions:
Argininosuccinate lyase deficiency. Also called: Argininosuccinic aciduria; ARGININOSUCCINIC ACID LYASE DEFICIENCY; ASL DEFICIENCY. Identifiers: Orphanet 23, MedGen C0268547, MONDO:0008815, OMIM 207900, HP:0025630.

Allele frequency attached by ClinVar (database versions not stated): gnomAD exomes below 0.00001; TOPMed below 0.00001; ExAC 0.00002.

Submission:

Labcorp Genetics (formerly Invitae), Labcorp
Classification: Uncertain significance for Argininosuccinate lyase deficiency. Last evaluated: 2022-06-27. Review status: criteria provided, single submitter. Criteria: Invitae Variant Classification Sherloc (09022015). Collection method: clinical testing. Allele origin: germline.
Comment: This sequence change affects codon 239 of the ASL mRNA. It is a 'silent' change, meaning that it does not change the encoded amino acid sequence of the ASL protein. It affects a nucleotide within the consensus splice site. This variant is present in population databases (rs757704350, gnomAD 0.002%). This variant has not been reported in the literature in individuals affected with ASL-related conditions. Algorithms developed to predict the effect of sequence changes on RNA splicing suggest that this variant is not likely to affect RNA splicing. In summary, the available evidence is currently insufficient to determine the role of this variant in disease. Therefore, it has been classified as a Variant of Uncertain Significance.